The following is an entry in ClinVar:

ClinVar aggregate classification (germline): Uncertain significance (1 of 4 stars; one submission).

Conditions:
Hereditary spastic paraplegia 63. Also called: Spastic paraplegia 63, autosomal recessive. Identifiers: Orphanet 401805, MedGen C3810295, MONDO:0014305, OMIM 615686.
Pontocerebellar hypoplasia type 9. Identifiers: Orphanet 369920, MedGen C4014354, MONDO:0014351, OMIM 615809.

Submission:

Labcorp Genetics (formerly Invitae), Labcorp
Classification: Uncertain significance for Pontocerebellar hypoplasia type 9; Hereditary spastic paraplegia 63. Last evaluated: 2022-09-27. Review status: criteria provided, single submitter. Criteria: Invitae Variant Classification Sherloc (09022015). Collection method: clinical testing. Allele origin: germline.
Comment: In summary, the available evidence is currently insufficient to determine the role of this variant in disease. Therefore, it has been classified as a Variant of Uncertain Significance. Algorithms developed to predict the effect of missense changes on protein structure and function (SIFT, PolyPhen-2, Align-GVGD) all suggest that this variant is likely to be tolerated. This variant has not been reported in the literature in individuals affected with AMPD2-related conditions. This variant is not present in population databases (gnomAD no frequency). This sequence change replaces serine, which is neutral and polar, with alanine, which is neutral and non-polar, at codon 118 of the AMPD2 protein (p.Ser118Ala).

NM_001368809.2(AMPD2):c.190T>G (p.Ser64Ala)

Gene: AMPD2 (adenosine monophosphate deaminase 2; plus strand). Cytogenetic location: 1p13.3.
Variant type: single nucleotide variant.
Coding change: c.190T>G on transcript NM_001368809.2 (MANE Select); coding-DNA position 190, T replaced by G.
Protein change: p.Ser64Ala; replaces serine 64 with alanine.
Molecular consequence: missense variant. On other transcripts: 5 prime UTR variant (1), intron variant (1).
Genome position (GRCh38, 1-based): chr1:109,625,401, T>G. VCF-style: chr1-109625401-T-G. GRCh37 (hg19) VCF-style: chr1-110168023-T-G.
Other names: c.352T>G, p.Ser118Ala (NM_001257360.2); c.-3T>G (NM_001257361.2); c.190T>G, p.Ser64Ala (NM_004037.9); c.109T>G, p.Ser37Ala (NM_139156.4); c.160-261T>G (NM_001308170.1); short protein forms S64A, S118A, S37A.
Identifiers: ClinVar variation 2010660 (VCV002010660.4), dbSNP rs2524395613, ClinGen allele CA341553677.